The following is an entry in ClinVar:

ClinVar aggregate classification (germline): Uncertain significance (1 of 4 stars; one submission).

Allele frequency attached by ClinVar (database versions not stated): gnomAD 0.00001.
gnomAD v4.1: 7 of 1,584,406 alleles (0.00044%); highest among the groups gnomAD compares: South Asian, 0.0024%; no homozygotes.

Submission:

Ambry Genetics
Classification: Uncertain significance. Last evaluated: 2021-06-30. Review status: criteria provided, single submitter. Criteria: Ambry Variant Classification Scheme 2023. Collection method: clinical testing. Allele origin: germline.
Comment: The p.G1979S variant (also known as c.5935G>A), located in coding exon 18 of the POLQ gene, results from a G to A substitution at nucleotide position 5935. The glycine at codon 1979 is replaced by serine, an amino acid with similar properties. This amino acid position is conserved. In addition, this alteration is predicted to be tolerated by in silico analysis. Since supporting evidence is limited at this time, the clinical significance of this alteration remains unclear.

NM_199420.4(POLQ):c.5935G>A (p.Gly1979Ser)

Gene: POLQ (DNA polymerase theta; minus strand). Cytogenetic location: 3q13.33.
Variant type: single nucleotide variant.
Coding change: c.5935G>A on transcript NM_199420.4 (MANE Select); coding-DNA position 5935, G replaced by A.
Protein change: p.Gly1979Ser; replaces glycine 1979 with serine.
Molecular consequence: missense variant.
Genome position (GRCh38, 1-based): chr3:121,483,421, C>T on the plus strand (G>A on the coding strand, the complement: POLQ is on the minus strand). VCF-style: chr3-121483421-C-T. GRCh37 (hg19) VCF-style: chr3-121202268-C-T.
Other names: short protein forms G1979S.
Identifiers: ClinVar variation 1750592 (VCV001750592.2), dbSNP rs1255774437, ClinGen allele CA354088469.